The following is an entry in ClinVar:

NM_015047.3(EMC1):c.109G>T (p.Val37Phe)

Gene: EMC1 (ER membrane protein complex subunit 1; minus strand). Cytogenetic location: 1p36.13.
Variant type: single nucleotide variant.
Coding change: c.109G>T on transcript NM_015047.3 (MANE Select); coding-DNA position 109, G replaced by T.
Protein change: p.Val37Phe; replaces valine 37 with phenylalanine.
Molecular consequence: missense variant.
Genome position (GRCh38, 1-based): chr1:19,245,017, C>A on the plus strand (G>T on the coding strand, the complement: EMC1 is on the minus strand). VCF-style: chr1-19245017-C-A. GRCh37 (hg19) VCF-style: chr1-19571511-C-A.
Other names: c.109G>T (NM_015047.1); c.109G>T, p.Val37Phe (NM_001271427.2, NM_001271428.2, NM_001271429.2 and 2 more transcripts); short protein forms V37F.
Identifiers: ClinVar variation 1037577 (VCV001037577.7), dbSNP rs1305019836, ClinGen allele CA338774198.
Genomic context (GRCh38, chr1:19,245,017, plus strand): 5'-CTACAACCAACTTCTTGGATCCAGGGGAAAATTCCAAGGAGGCAAACTTGACCTTCCCAA[C>A]ATATTGCTGTCTCCTGAGAAAAAAAGAGTACAGGGGACCATAAGGAGCTAAAATCACCAT-3'
Protein context (NP_055862.1, residues 27-47): VGKFDWRQQY[Val37Phe]GKVKFASLEF

ClinVar aggregate classification (germline): Uncertain significance. Review status: criteria provided, multiple submitters, no conflicts (2 of 4 stars). 2 submissions from 2 submitters: Uncertain significance (2). Last evaluated 2025-05-19.

Conditions:
Inborn genetic diseases. Identifiers: MedGen C0950123, MeSH D030342.

Allele frequency attached by ClinVar (database versions not stated): gnomAD exomes 0.00002.
gnomAD v4.1: 25 of 1,613,928 alleles (0.0015%); highest among the groups gnomAD compares: Non-Finnish European, 0.0021%; no homozygotes.

Submissions (2):

Labcorp Genetics (formerly Invitae), Labcorp
Classification: Uncertain significance. Last evaluated: 2025-05-19. Review status: criteria provided, single submitter. Criteria: Invitae Variant Classification Sherloc (09022015). Collection method: clinical testing. Allele origin: germline.
Comment: This sequence change replaces valine, which is neutral and non-polar, with phenylalanine, which is neutral and non-polar, at codon 37 of the EMC1 protein (p.Val37Phe). This variant is present in population databases (no rsID available, gnomAD 0.003%). This missense change has been observed in individual(s) with clinical features of EMC1-related conditions (PMID: 38374194). ClinVar contains an entry for this variant (Variation ID: 1037577). Invitae Evidence Modeling of protein sequence and biophysical properties (such as structural, functional, and spatial information, amino acid conservation, physicochemical variation, residue mobility, and thermodynamic stability) indicates that this missense variant is expected to disrupt EMC1 protein function with a positive predictive value of 80%. In summary, the available evidence is currently insufficient to determine the role of this variant in disease. Therefore, it has been classified as a Variant of Uncertain Significance.

Ambry Genetics
Classification: Uncertain significance for Inborn genetic diseases. Last evaluated: 2021-12-03. Review status: criteria provided, single submitter. Criteria: Ambry Variant Classification Scheme 2023. Collection method: clinical testing. Allele origin: germline.

Literature cited by the submitters: PubMed 38374194 (cited by Labcorp Genetics (formerly Invitae), Labcorp).